The following is an entry in ClinVar:

ClinVar aggregate classification (germline): Pathogenic (1 of 4 stars; one submission).

Conditions:
Multiple endocrine neoplasia type 4. Also called: MULTIPLE ENDOCRINE NEOPLASIA, TYPE IV. Identifiers: Orphanet 276152, MedGen C1970712, MONDO:0012552, OMIM 610755.

Submission:

Labcorp Genetics (formerly Invitae), Labcorp
Classification: Pathogenic for Multiple endocrine neoplasia type 4. Last evaluated: 2023-03-17. Review status: criteria provided, single submitter. Criteria: Invitae Variant Classification Sherloc (09022015). Collection method: clinical testing. Allele origin: germline.
Comment: This sequence change creates a premature translational stop signal (p.Arg113Profs*6) in the CDKN1B gene. It is expected to result in an absent or disrupted protein product. Loss-of-function variants in CDKN1B are known to be pathogenic (PMID: 17030811, 24819502). This variant is not present in population databases (gnomAD no frequency). This variant has not been reported in the literature in individuals affected with CDKN1B-related conditions. For these reasons, this variant has been classified as Pathogenic.

Literature cited by the submitters: PubMed 17030811; PubMed 24819502.

NM_004064.5(CDKN1B):c.338del (p.Arg113fs)

Gene: CDKN1B (cyclin dependent kinase inhibitor 1B; plus strand). Cytogenetic location: 12p13.1.
Variant type: Deletion.
Coding change: c.338del on transcript NM_004064.5 (MANE Select); coding-DNA position 338, one base deleted (G; older notation c.338delG).
Protein change: p.Arg113fs; shifts the reading frame from arginine 113.
Molecular consequence: frameshift variant.
Genome position (GRCh38, 1-based): chr12:12,718,177, G deleted. VCF-style (leftmost placement, unchanged base first): chr12-12718176-CG-C. GRCh37 (hg19) VCF-style: chr12-12871110-CG-C.
Other names: short protein forms R113fs.
Identifiers: ClinVar variation 2846493 (VCV002846493.3), dbSNP rs2497405310, ClinGen allele CA2739271872.
Genomic context (GRCh38, chr12:12,718,176, plus strand): 5'-CGGCCCCCCAAAGGTGCCTGCAAGGTGCCGGCGCAGGAGAGCCAGGATGTCAGCGGGAGC[CG>C]CCCGGCGGCGCCTTTAATTGGGGCTCCGGCTAACTCTGAGGACACGCATTTGGTGGACCC-3'